The following is an entry in ClinVar:

ClinVar aggregate classification (germline): Uncertain significance (1 of 4 stars; one submission).

Conditions:
EGFR-related lung cancer (EGFR). Identifiers: MedGen CN130014.

Submission:

Labcorp Genetics (formerly Invitae), Labcorp
Classification: Uncertain significance for EGFR-related lung cancer. Last evaluated: 2021-06-28. Review status: criteria provided, single submitter. Criteria: Invitae Variant Classification Sherloc (09022015). Collection method: clinical testing. Allele origin: germline.
Comment: This sequence change replaces isoleucine with valine at codon 143 of the EGFR protein (p.Ile143Val). The isoleucine residue is highly conserved and there is a small physicochemical difference between isoleucine and valine. This variant is not present in population databases (ExAC no frequency). This variant has not been reported in the literature in individuals with EGFR-related conditions. Algorithms developed to predict the effect of missense changes on protein structure and function output the following: SIFT: "Tolerated"; PolyPhen-2: "Benign"; Align-GVGD: "Class C0". The valine amino acid residue is found in multiple mammalian species, suggesting that this missense change does not adversely affect protein function. These predictions have not been confirmed by published functional studies and their clinical significance is uncertain. In summary, the available evidence is currently insufficient to determine the role of this variant in disease. Therefore, it has been classified as a Variant of Uncertain Significance.

NM_005228.5(EGFR):c.427A>G (p.Ile143Val)

Gene: EGFR (epidermal growth factor receptor; plus strand). Cytogenetic location: 7p11.2.
Variant type: single nucleotide variant.
Coding change: c.427A>G on transcript NM_005228.5 (MANE Select); coding-DNA position 427, A replaced by G.
Protein change: p.Ile143Val; replaces isoleucine 143 with valine.
Molecular consequence: missense variant. On other transcripts: intron variant (3).
Genome position (GRCh38, 1-based): chr7:55,146,608, A>G. VCF-style: chr7-55146608-A-G. GRCh37 (hg19) VCF-style: chr7-55214301-A-G.
Other names: c.427A>G, p.Ile143Val (NM_001346898.2, NM_201282.2, NM_201283.2 and 1 more transcripts); c.268A>G, p.Ile90Val (NM_001346900.2); c.424+3120A>G (NM_001346899.2, NM_001346897.2); c.89-9222A>G (NM_001346941.2); short protein forms I90V, I143V.
Identifiers: ClinVar variation 1432070 (VCV001432070.8), dbSNP rs2128929398, ClinGen allele CA367576467.